The following is an entry in ClinVar:

NM_014845.6(FIG4):c.1655A>G (p.His552Arg)

Gene: FIG4 (FIG4 phosphoinositide 5-phosphatase; plus strand). Cytogenetic location: 6q21.
Variant type: single nucleotide variant.
Coding change: c.1655A>G on transcript NM_014845.6 (MANE Select); coding-DNA position 1655, A replaced by G.
Protein change: p.His552Arg; replaces histidine 552 with arginine.
Molecular consequence: missense variant.
Genome position (GRCh38, 1-based): chr6:109,766,800, A>G. VCF-style: chr6-109766800-A-G. GRCh37 (hg19) VCF-style: chr6-110088003-A-G.
Other names: short protein forms H552R.
Identifiers: ClinVar variation 5021801 (VCV005021801.1).

ClinVar aggregate classification (germline): Uncertain significance (1 of 4 stars; one submission).

Conditions:
Inborn genetic diseases. Identifiers: MedGen C0950123, MeSH D030342.

gnomAD v4.1: 1 of 1,613,960 alleles (0.000062%); highest among the groups gnomAD compares: South Asian, 0.0011%; no homozygotes.

Submission:

Ambry Genetics
Classification: Uncertain significance for Inborn genetic diseases. Last evaluated: 2026-07-26. Review status: criteria provided, single submitter. Criteria: Ambry Variant Classification Scheme 2023. Collection method: clinical testing. Allele origin: germline.
Comment: The p.H552R variant (also known as c.1655A>G), located in coding exon 15 of the FIG4 gene, results from an A to G substitution at nucleotide position 1655. The histidine at codon 552 is replaced by arginine, an amino acid with highly similar properties. This amino acid position is conserved. In addition, this alteration is predicted to be deleterious by in silico analysis. Based on the available evidence, the clinical significance of this variant remains unclear.